The following is an entry in ClinVar:

ClinVar aggregate classification (germline): Uncertain significance (1 of 4 stars; one submission).

Allele frequency attached by ClinVar (database versions not stated): ExAC 0.00001.
gnomAD v4.1: 15 of 1,614,134 alleles (0.00093%); highest among the groups gnomAD compares: Non-Finnish European, 0.001%; no homozygotes.

Submission:

Labcorp Genetics (formerly Invitae), Labcorp
Classification: Uncertain significance. Last evaluated: 2023-11-22. Review status: criteria provided, single submitter. Criteria: Invitae Variant Classification Sherloc (09022015). Collection method: clinical testing. Allele origin: germline.
Comment: This sequence change replaces alanine, which is neutral and non-polar, with threonine, which is neutral and polar, at codon 137 of the SLC36A2 protein (p.Ala137Thr). This variant is present in population databases (rs754153820, gnomAD 0.003%). This variant has not been reported in the literature in individuals affected with SLC36A2-related conditions. Algorithms developed to predict the effect of missense changes on protein structure and function output the following: SIFT: "Not Available"; PolyPhen-2: "Benign"; Align-GVGD: "Not Available". The threonine amino acid residue is found in multiple mammalian species, which suggests that this missense change does not adversely affect protein function. In summary, the available evidence is currently insufficient to determine the role of this variant in disease. Therefore, it has been classified as a Variant of Uncertain Significance.

NM_181776.3(SLC36A2):c.409G>A (p.Ala137Thr)

Gene: SLC36A2 (solute carrier family 36 member 2; minus strand). Cytogenetic location: 5q33.1.
Variant type: single nucleotide variant.
Coding change: c.409G>A on transcript NM_181776.3 (MANE Select); coding-DNA position 409, G replaced by A.
Protein change: p.Ala137Thr; replaces alanine 137 with threonine.
Molecular consequence: missense variant.
Genome position (GRCh38, 1-based): chr5:151,342,919, C>T on the plus strand (G>A on the coding strand, the complement: SLC36A2 is on the minus strand). VCF-style: chr5-151342919-C-T. GRCh37 (hg19) VCF-style: chr5-150722480-C-T.
Other names: short protein forms A137T.
Identifiers: ClinVar variation 2894350 (VCV002894350.3), dbSNP rs754153820, ClinGen allele CA3518907.